The following is an entry in ClinVar:

ClinVar aggregate classification (germline): Likely benign (1 of 4 stars; one submission).

Conditions:
Breast-ovarian cancer, familial, susceptibility to, 1 (BROVCA1). Also called: OVARIAN CANCER, SUSCEPTIBILITY TO; BRCA1 Hereditary Breast and Ovarian Cancer. Identifiers: Orphanet 145, MedGen C2676676, MONDO:0011450, OMIM 604370. Disease mechanism: loss of function.

gnomAD v4.1: 1 of 1,614,070 alleles (0.000062%); highest among the groups gnomAD compares: Non-Finnish European, 0.000085%; no homozygotes.

Submission:

Cancer Bioinformatics and Tumour Evolution Laboratory, Monash University
Classification: Likely benign for Breast-ovarian cancer, familial, susceptibility to, 1. Last evaluated: 2026-05-01. Review status: criteria provided, single submitter. Criteria: ClinGen BRCA1 and BRCA2 Guidelines, 2024. Collection method: curation. Allele origin: germline. Inheritance: Autosomal dominant inheritance.
Comment: Missense variant outside of a functional domain with no splice impact. BRCA1 and BRCA2 VCEP guidelines recommend application of BP1_Strong (PMID: 39142283)

NM_007294.4(BRCA1):c.1268C>G (p.Ser423Cys)

Gene: BRCA1 (BRCA1 DNA repair associated; minus strand). Cytogenetic location: 17q21.31.
Variant type: single nucleotide variant.
Coding change: c.1268C>G on transcript NM_007294.4 (MANE Select); coding-DNA position 1268, C replaced by G.
Protein change: p.Ser423Cys; replaces serine 423 with cysteine.
Molecular consequence: missense variant. On other transcripts: intron variant (137).
Genome position (GRCh38, 1-based): chr17:43,094,263, G>C on the plus strand (C>G on the coding strand, the complement: BRCA1 is on the minus strand). VCF-style: chr17-43094263-G-C. GRCh37 (hg19) VCF-style: chr17-41246280-G-C.
Other names: c.1268C>G, p.Ser423Cys (NM_001407859.1, NM_007300.4, NM_001407581.1 and 30 more transcripts); c.1265C>G, p.Ser422Cys (NM_001407860.1, NM_001407861.1, NM_001407587.1 and 22 more transcripts); c.1067C>G, p.Ser356Cys (NM_001407862.1); c.1145C>G, p.Ser382Cys (NM_001407863.1, NM_001407664.1, NM_001407665.1 and 19 more transcripts); c.1064C>G, p.Ser355Cys (NM_001407874.1, NM_001407875.1); c.1058C>G, p.Ser353Cys (NM_001407879.1, NM_001407881.1, NM_001407900.1 and 13 more transcripts); c.1055C>G, p.Ser352Cys (NM_001407898.1, NM_001407899.1, NM_001407571.1 and 9 more transcripts); c.1004C>G, p.Ser335Cys (NM_001407924.1, NM_001407925.1, NM_001407926.1 and 9 more transcripts); and 40 more; short protein forms S127C, S255C, S295C, S296C, S311C, S312C, S334C, S335C.
Identifiers: ClinVar variation 4856579 (VCV004856579.1).